The following is an entry in ClinVar:

NM_000021.4(PSEN1):c.956-10T>C

Gene: PSEN1 (presenilin 1; plus strand). Cytogenetic location: 14q24.2.
Variant type: single nucleotide variant.
Coding change: c.956-10T>C on transcript NM_000021.4 (MANE Select); 10 bases into the intron before coding-DNA position 956, T replaced by C.
Molecular consequence: intron variant.
Genome position (GRCh38, 1-based): chr14:73,211,759, T>C. VCF-style: chr14-73211759-T-C. GRCh37 (hg19) VCF-style: chr14-73678467-T-C.
Other names: c.944-10T>C (NM_007318.3).
Identifiers: ClinVar variation 3031161 (VCV003031161.2), dbSNP rs2503007497, ClinGen allele CA2575570956.

ClinVar aggregate classification (germline): Likely benign (0 of 4 stars; one submission).

Conditions:
PSEN1-related disorder. Also called: PSEN1-related condition.

gnomAD v4.1: 1 of 1,613,938 alleles (0.000062%); highest among the groups gnomAD compares: Non-Finnish European, 0.000085%; no homozygotes.

Submission:

PreventionGenetics, part of Exact Sciences
Classification: Likely benign for PSEN1-related condition. Last evaluated: 2023-10-14. Review status: no assertion criteria provided. Collection method: clinical testing. Allele origin: germline.
Comment: This variant is classified as likely benign based on ACMG/AMP sequence variant interpretation guidelines (Richards et al. 2015 PMID: 25741868, with internal and published modifications).